The following is an entry in ClinVar:

ClinVar aggregate classification (germline): Likely benign (1 of 4 stars; one submission).

gnomAD v4.1: 1 of 1,613,754 alleles (0.000062%); highest among the groups gnomAD compares: Non-Finnish European, 0.000085%; no homozygotes.

Submission:

CeGaT Center for Human Genetics Tuebingen
Classification: Likely benign. Last evaluated: 2024-10-01. Review status: criteria provided, single submitter. Criteria: CeGaT Center For Human Genetics Tuebingen Variant Classification Criteria Version 2. Collection method: clinical testing. Allele origin: germline. Affected: yes. Observed: 1 variant allele.
Comment: PCDH15: BP4, BP7

NM_001384140.1(PCDH15):c.2565G>T (p.Arg855=)

Gene: PCDH15 (protocadherin related 15; minus strand). Cytogenetic location: 10q21.1.
Variant type: single nucleotide variant.
Coding change: c.2565G>T on transcript NM_001384140.1 (MANE Select); coding-DNA position 2565, G replaced by T.
Protein change: p.Arg855=; no amino-acid change (arginine 855 retained).
Molecular consequence: synonymous variant.
Genome position (GRCh38, 1-based): chr10:54,020,378, C>A on the plus strand (G>T on the coding strand, the complement: PCDH15 is on the minus strand). VCF-style: chr10-54020378-C-A. GRCh37 (hg19) VCF-style: chr10-55780138-C-A.
Other names: c.2565G>T, p.Arg855= (NM_001142764.2, NM_001142766.2, NM_001142770.3 and 5 more transcripts); c.2352G>T, p.Arg784= (NM_001142765.2); c.2454G>T, p.Arg818= (NM_001142767.2); c.2499G>T, p.Arg833= (NM_001142768.2, NM_001142773.2, NM_001354404.2); c.2601G>T, p.Arg867= (NM_001142769.4); c.2580G>T, p.Arg860= (NM_001142771.2, NM_001142763.2); c.2586G>T, p.Arg862= (NM_001354411.2).
Identifiers: ClinVar variation 3390016 (VCV003390016.14).